The following is an entry in ClinVar:

ClinVar aggregate classification (germline): Uncertain significance (1 of 4 stars; one submission).

Submission:

Labcorp Genetics (formerly Invitae), Labcorp
Classification: Uncertain significance. Last evaluated: 2024-07-27. Review status: criteria provided, single submitter. Criteria: Invitae Variant Classification Sherloc (09022015). Collection method: clinical testing. Allele origin: germline.
Comment: This sequence change replaces isoleucine, which is neutral and non-polar, with valine, which is neutral and non-polar, at codon 1579 of the HMCN1 protein (p.Ile1579Val). This variant is not present in population databases (gnomAD no frequency). This variant has not been reported in the literature in individuals affected with HMCN1-related conditions. An algorithm developed to predict the effect of missense changes on protein structure and function outputs the following: PolyPhen-2: "Benign". The valine amino acid residue is found in multiple mammalian species, which suggests that this missense change does not adversely affect protein function. In summary, the available evidence is currently insufficient to determine the role of this variant in disease. Therefore, it has been classified as a Variant of Uncertain Significance.

NM_031935.3(HMCN1):c.4735A>G (p.Ile1579Val)

Gene: HMCN1 (hemicentin 1; plus strand). Cytogenetic location: 1q31.1.
Variant type: single nucleotide variant.
Coding change: c.4735A>G on transcript NM_031935.3 (MANE Select); coding-DNA position 4735, A replaced by G.
Protein change: p.Ile1579Val; replaces isoleucine 1579 with valine.
Molecular consequence: missense variant.
Genome position (GRCh38, 1-based): chr1:186,015,263, A>G. VCF-style: chr1-186015263-A-G. GRCh37 (hg19) VCF-style: chr1-185984395-A-G.
Other names: short protein forms I1579V.
Identifiers: ClinVar variation 3698878 (VCV003698878.2).